The following is an entry in ClinVar:

NM_001853.4(COL9A3):c.604G>A (p.Gly202Arg)

Gene: COL9A3 (collagen type IX alpha 3 chain; plus strand). Cytogenetic location: 20q13.33.
Variant type: single nucleotide variant.
Coding change: c.604G>A on transcript NM_001853.4 (MANE Select); coding-DNA position 604, G replaced by A.
Protein change: p.Gly202Arg; replaces glycine 202 with arginine.
Molecular consequence: missense variant.
Genome position (GRCh38, 1-based): chr20:62,824,995, G>A. VCF-style: chr20-62824995-G-A. GRCh37 (hg19) VCF-style: chr20-61456347-G-A.
Other names: short protein forms G202R.
Identifiers: ClinVar variation 4798717 (VCV004798717.1).

ClinVar aggregate classification (germline): Uncertain significance (1 of 4 stars; one submission).

Submission:

Labcorp Genetics (formerly Invitae), Labcorp
Classification: Uncertain significance. Last evaluated: 2025-09-22. Review status: criteria provided, single submitter. Criteria: Invitae Variant Classification Sherloc (09022015). Collection method: clinical testing. Allele origin: germline.
Comment: This sequence change replaces glycine, which is neutral and non-polar, with arginine, which is basic and polar, at codon 202 of the COL9A3 protein (p.Gly202Arg). This variant is not present in population databases (gnomAD no frequency). This variant has not been reported in the literature in individuals affected with COL9A3-related conditions. Invitae Evidence Modeling of protein sequence and biophysical properties (such as structural, functional, and spatial information, amino acid conservation, physicochemical variation, residue mobility, and thermodynamic stability) indicates that this missense variant is expected to disrupt COL9A3 protein function with a positive predictive value of 95%. In summary, the available evidence is currently insufficient to determine the role of this variant in disease. Therefore, it has been classified as a Variant of Uncertain Significance.